The following is an entry in ClinVar:

NM_007118.4(TRIO):c.5902A>G (p.Lys1968Glu)

Gene: TRIO (trio Rho guanine nucleotide exchange factor; plus strand). Cytogenetic location: 5p15.2.
Variant type: single nucleotide variant.
Coding change: c.5902A>G on transcript NM_007118.4 (MANE Select); coding-DNA position 5902, A replaced by G.
Protein change: p.Lys1968Glu; replaces lysine 1968 with glutamic acid.
Molecular consequence: missense variant. On other transcripts: non-coding transcript variant (1).
Genome position (GRCh38, 1-based): chr5:14,471,456, A>G. VCF-style: chr5-14471456-A-G. GRCh37 (hg19) VCF-style: chr5-14471565-A-G.
Other names: short protein forms K1968E.
Identifiers: ClinVar variation 3354891 (VCV003354891.1).
Genomic context (GRCh38, chr5:14,471,456, plus strand): 5'-TCCCTTCTCTCTTCCTCCTCGCCCATTGATGAGATGGAAGAAAGGAAATCCAGCTCTTTA[A>G]AGAGAAGACAGTAAGACAGAAATGTTTTCATTCTTATTGTTCTCTGGGTTCCGTCCTGTC-3'
Protein context (NP_009049.2, residues 1958-1978): EMEERKSSSL[Lys1968Glu]RRHYVLQELV

ClinVar aggregate classification (germline): Uncertain significance (0 of 4 stars; one submission).

Conditions:
TRIO-related disorder. Also called: TRIO-related condition; TRIO-related disorders.

gnomAD v4.1: 3 of 1,613,948 alleles (0.00019%); highest among the groups gnomAD compares: Admixed American, 0.005%; no homozygotes.

Submission:

PreventionGenetics, part of Exact Sciences
Classification: Uncertain significance for TRIO-related condition. Last evaluated: 2024-04-12. Review status: no assertion criteria provided. Collection method: clinical testing. Allele origin: germline.
Comment: The TRIO c.5902A>G variant is predicted to result in the amino acid substitution p.Lys1968Glu. To our knowledge, this variant has not been reported in the literature. This variant is reported in 0.0087% of alleles in individuals of Latino descent in gnomAD. At this time, the clinical significance of this variant is uncertain due to the absence of conclusive functional and genetic evidence.